The following is an entry in ClinVar:

ClinVar aggregate classification (germline): Uncertain significance (1 of 4 stars; one submission).

Conditions:
Tuberous sclerosis syndrome (TSC). Also called: Tuberous Sclerosis Complex; Tuberous sclerosis. Identifiers: Orphanet 805, MedGen C0041341, MONDO:0001734.

Submission:

All of Us Research Program, National Institutes of Health
Classification: Uncertain significance for Tuberous sclerosis syndrome. Last evaluated: 2024-03-05. Review status: criteria provided, single submitter. Criteria: ACMG Guidelines, 2015. Collection method: clinical testing. Allele origin: germline. Inheritance: Autosomal dominant inheritance. Observed: 1 variant allele, 1 heterozygote.
Comment: This study involves interpretation of variants in research participants for the purpose of population health screening. Participant phenotype was not available at the time of variant classification. Additional details can be found in publication PMID: 35346344, PMCID: PMC8962531

NM_000548.5(TSC2):c.3786A>C (p.Lys1262Asn)

Gene: TSC2 (TSC complex subunit 2; plus strand). Cytogenetic location: 16p13.3.
Variant type: single nucleotide variant.
Coding change: c.3786A>C on transcript NM_000548.5 (MANE Select); coding-DNA position 3786, A replaced by C.
Protein change: p.Lys1262Asn; replaces lysine 1262 with asparagine.
Molecular consequence: missense variant. On other transcripts: non-coding transcript variant (5).
Genome position (GRCh38, 1-based): chr16:2,081,770, A>C. VCF-style: chr16-2081770-A-C. GRCh37 (hg19) VCF-style: chr16-2131771-A-C.
Other names: c.3783A>C, p.Lys1261Asn (NM_001406663.1, NM_001406664.1); c.3654A>C, p.Lys1218Asn (NM_001406665.1, NM_001077183.3, NM_001370404.1); c.3747A>C, p.Lys1249Asn (NM_001406667.1); c.3744A>C, p.Lys1248Asn (NM_001406668.1); c.3675A>C, p.Lys1225Asn (NM_001406670.1); c.3645A>C, p.Lys1215Asn (NM_001406671.1); c.3642A>C, p.Lys1214Asn (NM_001406673.1); c.3639A>C, p.Lys1213Asn (NM_001406675.1); and 18 more; short protein forms K1018N, K1019N, K1061N, K1062N, K1065N, K1169N, K1170N, K1181N.
Identifiers: ClinVar variation 3386173 (VCV003386173.1).